The following is an entry in ClinVar:

NM_001197104.2(KMT2A):c.7001T>A (p.Leu2334Gln)

Gene: KMT2A (lysine methyltransferase 2A; plus strand). Cytogenetic location: 11q23.3.
Variant type: single nucleotide variant.
Coding change: c.7001T>A on transcript NM_001197104.2 (MANE Select); coding-DNA position 7001, T replaced by A.
Protein change: p.Leu2334Gln; replaces leucine 2334 with glutamine.
Molecular consequence: missense variant.
Genome position (GRCh38, 1-based): chr11:118,502,893, T>A. VCF-style: chr11-118502893-T-A. GRCh37 (hg19) VCF-style: chr11-118373608-T-A.
Other names: c.7091T>A, p.Leu2364Gln (NM_001412597.1); c.6992T>A, p.Leu2331Gln (NM_005933.4); short protein forms L2331Q, L2334Q, L2364Q.
Identifiers: ClinVar variation 2097279 (VCV002097279.4), dbSNP rs782639068, ClinGen allele CA382803936.

ClinVar aggregate classification (germline): Uncertain significance (1 of 4 stars; one submission).

Submission:

Labcorp Genetics (formerly Invitae), Labcorp
Classification: Uncertain significance. Last evaluated: 2022-10-20. Review status: criteria provided, single submitter. Criteria: Invitae Variant Classification Sherloc (09022015). Collection method: clinical testing. Allele origin: germline.
Comment: In summary, the available evidence is currently insufficient to determine the role of this variant in disease. Therefore, it has been classified as a Variant of Uncertain Significance. This sequence change replaces leucine, which is neutral and non-polar, with glutamine, which is neutral and polar, at codon 2334 of the KMT2A protein (p.Leu2334Gln). This variant is not present in population databases (gnomAD no frequency). This variant has not been reported in the literature in individuals affected with KMT2A-related conditions. Advanced modeling of protein sequence and biophysical properties (such as structural, functional, and spatial information, amino acid conservation, physicochemical variation, residue mobility, and thermodynamic stability) performed at Invitae indicates that this missense variant is not expected to disrupt KMT2A protein function.